The following is an entry in ClinVar:

ClinVar aggregate classification (germline): Benign. Review status: criteria provided, multiple submitters, no conflicts (2 of 4 stars). 3 submissions from 3 submitters: Benign (2). 1 of the submissions does not count toward it. Last evaluated 2018-01-12.

Conditions:
NLRP2-related disorder. Also called: NLRP2-related condition.

Allele frequency attached by ClinVar (database versions not stated): gnomAD 0.00652 and 0.00694; ESP Exome Variant Server 0.00793; 1000 Genomes Project 0.00679; TOPMed 0.00757; gnomAD exomes 0.00168; ExAC 0.00210; 1000 Genomes Project 30x 0.00796.
gnomAD v4.1: 1,974 of 1,614,024 alleles (0.12%); highest among the groups gnomAD compares: African/African-American, 2.3%; 16 homozygotes.

Submissions (3):

Labcorp Genetics (formerly Invitae), Labcorp
Classification: Benign. Last evaluated: 2018-01-12. Review status: criteria provided, single submitter. Criteria: Invitae Variant Classification Sherloc (09022015). Collection method: clinical testing. Allele origin: germline.

Breakthrough Genomics
Classification: Benign. Review status: criteria provided, single submitter. Criteria: ACMG Guidelines, 2015. Collection method: not provided. Allele origin: germline. Inheritance: Unknown mechanism. Affected: yes.

PreventionGenetics, part of Exact Sciences
Classification: Benign for NLRP2-related condition. Last evaluated: 2019-12-19. Review status: no assertion criteria provided. Collection method: clinical testing. Allele origin: germline. Not counted in ClinVar's aggregate classification.
Comment: This variant is classified as benign based on ACMG/AMP sequence variant interpretation guidelines (Richards et al. 2015 PMID: 25741868, with internal and published modifications).

NM_017852.5(NLRP2):c.1470C>A (p.Arg490=)

Gene: NLRP2 (NLR family pyrin domain containing 2; plus strand). Cytogenetic location: 19q13.42.
Variant type: single nucleotide variant.
Coding change: c.1470C>A on transcript NM_017852.5 (MANE Select); coding-DNA position 1470, C replaced by A.
Protein change: p.Arg490=; no amino-acid change (arginine 490 retained).
Molecular consequence: synonymous variant. On other transcripts: non-coding transcript variant (1).
Genome position (GRCh38, 1-based): chr19:54,983,168, C>A. VCF-style: chr19-54983168-C-A. GRCh37 (hg19) VCF-style: chr19-55494536-C-A.
Other names: c.1470C>A, p.Arg490= (NM_001174081.3); c.1404C>A, p.Arg468= (NM_001174082.3); c.1401C>A, p.Arg467= (NM_001174083.2); c.1461C>A, p.Arg487= (NM_001348003.2); c.1470C>A (NM_001174081.2).
Identifiers: ClinVar variation 782660 (VCV000782660.6), dbSNP rs140300198, ClinGen allele CA310104774.